The following is an entry in ClinVar:

NM_005732.4(RAD50):c.118G>A (p.Ala40Thr)

Gene: RAD50 (RAD50 double strand break repair protein; plus strand). Cytogenetic location: 5q31.1.
Variant type: single nucleotide variant.
Coding change: c.118G>A on transcript NM_005732.4 (MANE Select); coding-DNA position 118, G replaced by A.
Protein change: p.Ala40Thr; replaces alanine 40 with threonine.
Molecular consequence: missense variant.
Genome position (GRCh38, 1-based): chr5:132,557,442, G>A. VCF-style: chr5-132557442-G-A. GRCh37 (hg19) VCF-style: chr5-131893134-G-A.
Other names: c.118G>A (NM_005732.3); short protein forms A40T.
Identifiers: ClinVar variation 2005636 (VCV002005636.5), dbSNP rs756353698, ClinGen allele CA360951867.
Genomic context (GRCh38, chr5:132,557,442, plus strand): 5'-AAAGATAAGCAAATTATCACTTTCTTCAGCCCCCTTACAATTTTGGTTGGACCCAATGGG[G>A]CGGGAAAGACGGTAAGTCTTCAGTAGCCGCCTTCAGTTTACAGGTCGCTACATCTTTCGG-3'
Protein context (NP_005723.2, residues 30-50): PLTILVGPNG[Ala40Thr]GKTTIIECLK

ClinVar aggregate classification (germline): Uncertain significance. Review status: criteria provided, multiple submitters, no conflicts (2 of 4 stars). 2 submissions from 2 submitters: Uncertain significance (2). Last evaluated 2025-09-08.

Conditions:
Hereditary cancer-predisposing syndrome. Also called: Hereditary neoplastic syndrome; Hereditary Cancer Syndrome; Tumor predisposition; Neoplastic Syndromes, Hereditary. Identifiers: Orphanet 140162, MedGen C0027672, MeSH D009386, MONDO:0015356.

Submissions (2):

Labcorp Genetics (formerly Invitae), Labcorp
Classification: Uncertain significance for Hereditary cancer-predisposing syndrome. Last evaluated: 2025-09-08. Review status: criteria provided, single submitter. Criteria: Invitae Variant Classification Sherloc (09022015). Collection method: clinical testing. Allele origin: germline.
Comment: This sequence change replaces alanine, which is neutral and non-polar, with threonine, which is neutral and polar, at codon 40 of the RAD50 protein (p.Ala40Thr). This variant is not present in population databases (gnomAD no frequency). This variant has not been reported in the literature in individuals affected with RAD50-related conditions. ClinVar contains an entry for this variant (Variation ID: 2005636). Invitae Evidence Modeling of protein sequence and biophysical properties (such as structural, functional, and spatial information, amino acid conservation, physicochemical variation, residue mobility, and thermodynamic stability) indicates that this missense variant is not expected to disrupt RAD50 protein function with a negative predictive value of 80%. In summary, the available evidence is currently insufficient to determine the role of this variant in disease. Therefore, it has been classified as a Variant of Uncertain Significance.

Ambry Genetics
Classification: Uncertain significance for Hereditary cancer-predisposing syndrome. Last evaluated: 2024-06-21. Review status: criteria provided, single submitter. Criteria: Ambry Variant Classification Scheme 2023. Collection method: clinical testing. Allele origin: germline.
Comment: The p.A40T variant (also known as c.118G>A), located in coding exon 1 of the RAD50 gene, results from a G to A substitution at nucleotide position 118. The alanine at codon 40 is replaced by threonine, an amino acid with similar properties. This amino acid position is conserved. In addition, the in silico prediction for this alteration is inconclusive. Based on the available evidence, the clinical significance of this variant remains unclear.